The following is an entry in ClinVar:

ClinVar aggregate classification (germline): Uncertain significance. Review status: criteria provided, multiple submitters, no conflicts (2 of 4 stars). 2 submissions from 2 submitters: Uncertain significance (2). Last evaluated 2025-08-12.

Conditions:
Hypertrophic cardiomyopathy 1 (CMH1). Also called: Familial hypertrophic cardiomyopathy 1; MYH7-Related Familial Hypertrophic Cardiomyopathy. Identifiers: MedGen C3495498, MONDO:0008647, OMIM 192600.

Allele frequency attached by ClinVar (database versions not stated): gnomAD 0.00001; gnomAD exomes 0.00001 and 0.00003; ExAC 0.00002; TOPMed 0.00002.
gnomAD v4.1: 13 of 1,613,458 alleles (0.00081%); highest among the groups gnomAD compares: East Asian, 0.022%; no homozygotes.

Submissions (2):

Ambry Genetics
Classification: Uncertain significance. Last evaluated: 2025-08-12. Review status: criteria provided, single submitter. Criteria: Ambry Variant Classification Scheme 2023. Collection method: clinical testing. Allele origin: germline.
Comment: The p.S235L variant (also known as c.704C>T), located in coding exon 3 of the MYLK2 gene, results from a C to T substitution at nucleotide position 704. The serine at codon 235 is replaced by leucine, an amino acid with dissimilar properties. This amino acid position is conserved. In addition, this alteration is predicted to be tolerated by in silico analysis. Since supporting evidence is limited at this time, the clinical significance of this alteration remains unclear.

Labcorp Genetics (formerly Invitae), Labcorp
Classification: Uncertain significance for Hypertrophic cardiomyopathy 1. Last evaluated: 2023-07-14. Review status: criteria provided, single submitter. Criteria: Invitae Variant Classification Sherloc (09022015). Collection method: clinical testing. Allele origin: germline.
Comment: This sequence change replaces serine, which is neutral and polar, with leucine, which is neutral and non-polar, at codon 235 of the MYLK2 protein (p.Ser235Leu). This variant is present in population databases (rs770237487, gnomAD 0.04%). In summary, the available evidence is currently insufficient to determine the role of this variant in disease. Therefore, it has been classified as a Variant of Uncertain Significance. Advanced modeling of protein sequence and biophysical properties (such as structural, functional, and spatial information, amino acid conservation, physicochemical variation, residue mobility, and thermodynamic stability) performed at Invitae indicates that this missense variant is not expected to disrupt MYLK2 protein function. ClinVar contains an entry for this variant (Variation ID: 835850). This variant has not been reported in the literature in individuals affected with MYLK2-related conditions.

NM_033118.4(MYLK2):c.704C>T (p.Ser235Leu)

Gene: MYLK2 (myosin light chain kinase 2; plus strand). Cytogenetic location: 20q11.21.
Variant type: single nucleotide variant.
Coding change: c.704C>T on transcript NM_033118.4 (MANE Select); coding-DNA position 704, C replaced by T.
Protein change: p.Ser235Leu; replaces serine 235 with leucine.
Molecular consequence: missense variant.
Genome position (GRCh38, 1-based): chr20:31,821,669, C>T. VCF-style: chr20-31821669-C-T. GRCh37 (hg19) VCF-style: chr20-30409472-C-T.
Other names: short protein forms S235L.
Identifiers: ClinVar variation 835850 (VCV000835850.12), dbSNP rs770237487, ClinGen allele CA9802978.